The following is an entry in ClinVar:

NM_005097.4(LGI1):c.288G>T (p.Leu96Phe)

Gene: LGI1 (leucine rich glioma inactivated 1; plus strand). Cytogenetic location: 10q23.33.
Variant type: single nucleotide variant.
Coding change: c.288G>T on transcript NM_005097.4 (MANE Select); coding-DNA position 288, G replaced by T.
Protein change: p.Leu96Phe; replaces leucine 96 with phenylalanine.
Molecular consequence: missense variant. On other transcripts: intron variant (1).
Genome position (GRCh38, 1-based): chr10:93,777,379, G>T. VCF-style: chr10-93777379-G-T. GRCh37 (hg19) VCF-style: chr10-95537136-G-T.
Other names: c.288G>T, p.Leu96Phe (NM_001308275.2); c.288-12720G>T (NM_001308276.2); short protein forms L96F.
Identifiers: ClinVar variation 2276604 (VCV002276604.2), dbSNP rs761037722, ClinGen allele CA377620590.

ClinVar aggregate classification (germline): Uncertain significance (1 of 4 stars; one submission).

Conditions:
Inborn genetic diseases. Identifiers: MedGen C0950123, MeSH D030342.

Submission:

Ambry Genetics
Classification: Uncertain significance for Inborn genetic diseases. Last evaluated: 2022-03-01. Review status: criteria provided, single submitter. Criteria: Ambry Variant Classification Scheme 2023. Collection method: clinical testing. Allele origin: germline.
Comment: Occurs in the first base pair of the exon Based on insufficient or conflicting evidence, the clinical significance of this alteration remains unclear.